The following is an entry in ClinVar:

ClinVar aggregate classification (germline): Uncertain significance. Review status: criteria provided, multiple submitters, no conflicts (2 of 4 stars). 3 submissions from 3 submitters: Uncertain significance (2). 1 of the submissions does not count toward it. Last evaluated 2025-08-24.

Conditions:
Primary ciliary dyskinesia. Also called: Ciliary dyskinesia. Identifiers: Orphanet 244, MedGen C0008780, MONDO:0016575, HP:0012265.

Allele frequency attached by ClinVar (database versions not stated): gnomAD 0.00007 and 0.00006; ESP Exome Variant Server 0.00008; TOPMed 0.00012; 1000 Genomes Project 30x 0.00031; 1000 Genomes Project 0.00040; gnomAD exomes 0.00001 and 0.00002; ExAC 0.00002.
gnomAD v4.1: 23 of 1,614,224 alleles (0.0014%); highest among the groups gnomAD compares: African/African-American, 0.023%; no homozygotes.

Submissions (3):

Ambry Genetics
Classification: Uncertain significance for Primary ciliary dyskinesia. Last evaluated: 2025-08-24. Review status: criteria provided, single submitter. Criteria: Ambry Variant Classification Scheme 2023. Collection method: clinical testing. Allele origin: germline.

Labcorp Genetics (formerly Invitae), Labcorp
Classification: Uncertain significance for Primary ciliary dyskinesia. Last evaluated: 2024-12-02. Review status: criteria provided, single submitter. Criteria: Invitae Variant Classification Sherloc (09022015). Collection method: clinical testing. Allele origin: germline.
Comment: This sequence change replaces threonine, which is neutral and polar, with isoleucine, which is neutral and non-polar, at codon 189 of the DNAI1 protein (p.Thr189Ile). This variant is present in population databases (rs191840487, gnomAD 0.03%). This variant has not been reported in the literature in individuals affected with DNAI1-related conditions. ClinVar contains an entry for this variant (Variation ID: 845495). Invitae Evidence Modeling of protein sequence and biophysical properties (such as structural, functional, and spatial information, amino acid conservation, physicochemical variation, residue mobility, and thermodynamic stability) has been performed for this missense variant. However, the output from this modeling did not meet the statistical confidence thresholds required to predict the impact of this variant on DNAI1 protein function. In summary, the available evidence is currently insufficient to determine the role of this variant in disease. Therefore, it has been classified as a Variant of Uncertain Significance.

Natera, Inc.
Classification: Uncertain significance for Primary ciliary dyskinesia. Last evaluated: 2020-09-16. Review status: no assertion criteria provided. Collection method: clinical testing. Allele origin: germline. Not counted in ClinVar's aggregate classification.

NM_012144.4(DNAI1):c.566C>T (p.Thr189Ile)

Gene: DNAI1 (dynein axonemal intermediate chain 1; plus strand). Cytogenetic location: 9p13.3.
Variant type: single nucleotide variant.
Coding change: c.566C>T on transcript NM_012144.4 (MANE Select); coding-DNA position 566, C replaced by T.
Protein change: p.Thr189Ile; replaces threonine 189 with isoleucine.
Molecular consequence: missense variant.
Genome position (GRCh38, 1-based): chr9:34,490,433, C>T. VCF-style: chr9-34490433-C-T. GRCh37 (hg19) VCF-style: chr9-34490431-C-T.
Other names: c.578C>T, p.Thr193Ile (NM_001281428.2); c.566C>T (NM_012144.2); short protein forms T189I, T193I.
Identifiers: ClinVar variation 845495 (VCV000845495.6), dbSNP rs191840487, ClinGen allele CA5034103.
Genomic context (GRCh38, chr9:34,490,433, plus strand): 5'-CTGAAAAAGTGACTGAAGAAGAATTGATGACTCCTAAGCAGCCCAAGGAGAGAAAGCTCA[C>T]TAACCAGTTCAACTTCAGTGAGAGGGCCTCACAGACCTACAACAACCCTGTCCGGGTAGA-3'
Protein context (NP_036276.1, residues 179-199): TPKQPKERKL[Thr189Ile]NQFNFSERAS